The following is an entry in ClinVar:

ClinVar aggregate classification (germline): Uncertain significance (1 of 4 stars; one submission).

Conditions:
Koolen-de Vries syndrome (KDVS). Identifiers: Orphanet 96169, MedGen C1864871, MONDO:0012496, OMIM 610443.

Submission:

3billion
Classification: Uncertain significance for Koolen-de Vries syndrome. Last evaluated: 2023-10-16. Review status: criteria provided, single submitter. Criteria: ACMG Guidelines, 2015. Collection method: clinical testing. Allele origin: germline. Affected: yes.
Comment: The variant is not observed in the gnomAD v2.1.1 dataset. Predicted Consequence/Location: Intron variant In silico tools predict the variant to alter splicing and produce an abnormal transcript [SpliceAI: 0.83 (>=0.2, moderate evidence for spliceogenicity)]. Therefore, this variant is classified as VUS according to the recommendation of ACMG/AMP guideline.

NM_015443.4(KANSL1):c.2542-3C>G

Gene: KANSL1 (KAT8 regulatory NSL complex subunit 1). Cytogenetic location: 17q21.31.
Variant type: single nucleotide variant.
Coding change: c.2542-3C>G on transcript NM_015443.4 (MANE Select); 3 bases into the intron before coding-DNA position 2542, C replaced by G.
Molecular consequence: intron variant.
Genome position (GRCh38, 1-based): chr17:46,034,288, G>C on the plus strand (C>G on the coding strand, the complement: KANSL1 is on the minus strand). VCF-style: chr17-46034288-G-C. GRCh37 (hg19) VCF-style: chr17-44111654-G-C.
Other names: c.2353-3C>G (NM_001405878.1, NM_001405877.1, NM_001405876.1 and 1 more transcripts); c.2542-6C>G (NM_001405858.1, NM_001405857.1, NM_001405856.1 and 1 more transcripts); c.2542-3C>G (NM_001405874.1, NM_001405855.1, NM_001405873.1 and 4 more transcripts); c.2440-3C>G (NM_001405860.1, NM_001405859.1); c.2353-6C>G (NM_001405880.1, NM_001405879.1); c.1087-6C>G (NM_001405885.1); c.1087-3C>G (NM_001405884.1); c.1276-6C>G (NM_001405883.1); and 2 more.
Identifiers: ClinVar variation 3775421 (VCV003775421.1).
Genomic context (GRCh38, chr17:46,034,288, plus strand): 5'-TGACAATGTTGTTAATATCAAATGAGCTCTCTCCCCTTCTCCTCCTTACTGGCTGCTGCT[G>C]TAAGATAAAAATTAAGTTTAAAAGGAAGGTACAATTTTACAGACATCAAATCATTCATCT-3'